The following is an entry in ClinVar:

NM_001918.5(DBT):c.*5546G>A

Gene: DBT (dihydrolipoamide branched chain transacylase E2; minus strand). Cytogenetic location: 1p21.2.
Variant type: single nucleotide variant.
Coding change: c.*5546G>A on transcript NM_001918.5 (MANE Select); 5546 bases downstream of the stop codon, G replaced by A.
Molecular consequence: 3 prime UTR variant.
Genome position (GRCh38, 1-based): chr1:100,190,709, C>T on the plus strand (G>A on the coding strand, the complement: DBT is on the minus strand). VCF-style: chr1-100190709-C-T. GRCh37 (hg19) VCF-style: chr1-100656265-C-T.
Other names: NC_000001.10:g.100656265C>T.
Identifiers: ClinVar variation 291404 (VCV000291404.9), dbSNP rs11166412, ClinGen allele CA10607164.
Genomic context (GRCh38, chr1:100,190,709, plus strand): 5'-GATGGAATAAATAATAGAGGACAGAAAACAGTTGGTATTTGCTGATGGAGAACCACTTCT[C>T]GGAAAGAGAAACAAAAAGAAAGTGTGAGAATAGAAATTTTGAGGTGAAAAGGAGAGAAAT-3'

ClinVar aggregate classification (germline): Benign. Review status: criteria provided, multiple submitters, no conflicts (2 of 4 stars). 4 submissions from 4 submitters: Benign (4). Last evaluated 2023-04-11.

Conditions:
Maple syrup urine disease (MSUD). Identifiers: Orphanet 511, MedGen C0024776, MeSH D008375, MONDO:0009563. Disease mechanism: loss of function.

Allele frequency attached by ClinVar (database versions not stated): TOPMed 0.77921; gnomAD 0.78278 and 0.79085; 1000 Genomes Project 30x 0.79263; 1000 Genomes Project 0.80072; gnomAD exomes 1.00000.
gnomAD v4.1: 120,297 of 152,008 alleles (79%); highest among the groups gnomAD compares: East Asian, 95%; 49,104 homozygotes.

Submissions (6):

Genome-Nilou Lab
Classification: Benign for Maple syrup urine disease type 1A. Last evaluated: 2023-04-11. Review status: criteria provided, single submitter. Criteria: ACMG Guidelines, 2015. Collection method: clinical testing. Allele origin: germline. Affected: no.

GeneDx
Classification: Benign. Last evaluated: 2018-06-29. Review status: criteria provided, single submitter. Criteria: GeneDx Variant Classification Process June 2021. Collection method: clinical testing. Allele origin: germline. Affected: yes.

Illumina Laboratory Services, Illumina
Classification: Benign for Maple syrup urine disease type 1A. Last evaluated: 2018-01-12. Review status: criteria provided, single submitter. Criteria: ICSL Variant Classification Criteria 13 December 2019. Collection method: clinical testing. Allele origin: germline.
Comment: This variant was observed in the ICSL laboratory as part of a predisposition screen in an ostensibly healthy population. It had not been previously curated by ICSL or reported in the Human Gene Mutation Database (HGMD: prior to June 1st, 2018), and was therefore a candidate for classification through an automated scoring system. Utilizing variant allele frequency, disease prevalence and penetrance estimates, and inheritance mode, an automated score was calculated to assess if this variant is too frequent to cause the disease. Based on the score and internal cut-off values, a variant classified as benign is not then subjected to further curation. The score for this variant resulted in a classification of benign for this disease.

Breakthrough Genomics
Classification: Benign. Review status: criteria provided, single submitter. Criteria: ACMG Guidelines, 2015. Collection method: not provided. Allele origin: germline. Inheritance: Autosomal recessive inheritance. Affected: yes.

Dr. Peter K. Rogan Lab, Western University
No classification provided (evidence only). Condition: Gastric cancer. Review status: no classification provided. Collection method: in vitro. Allele origin: not applicable. Functional consequence: retained intron. Not counted in ClinVar's aggregate classification.

Dr. Peter K. Rogan Lab, Western University
No classification provided (evidence only). Condition: Malignant tumor of esophagus. Review status: no classification provided. Collection method: in vitro. Allele origin: not applicable. Functional consequence: retained intron. Not counted in ClinVar's aggregate classification.